The following is an entry in ClinVar:

ClinVar aggregate classification (germline): Uncertain significance (1 of 4 stars; one submission).

gnomAD v4.1: 2 of 1,613,656 alleles (0.00012%); highest among the groups gnomAD compares: Non-Finnish European, 0.00017%; no homozygotes.

Submission:

Labcorp Genetics (formerly Invitae), Labcorp
Classification: Uncertain significance. Last evaluated: 2025-04-09. Review status: criteria provided, single submitter. Criteria: Invitae Variant Classification Sherloc (09022015). Collection method: clinical testing. Allele origin: germline.
Comment: This sequence change affects a donor splice site in intron 6 of the NDUFAF7 gene. It is expected to disrupt RNA splicing. Variants that disrupt the donor or acceptor splice site typically lead to a loss of protein function (PMID: 16199547), however the current clinical and genetic evidence is not sufficient to establish whether loss-of-function variants in NDUFAF7 cause disease. This variant is not present in population databases (gnomAD no frequency). This variant has not been reported in the literature in individuals affected with NDUFAF7-related conditions. Algorithms developed to predict the effect of sequence changes on RNA splicing suggest that this variant may disrupt the consensus splice site. In summary, the available evidence is currently insufficient to determine the role of this variant in disease. Therefore, it has been classified as a Variant of Uncertain Significance.

Literature cited by the submitters: PubMed 16199547.

NM_144736.5(NDUFAF7):c.936+1G>A

Gene: NDUFAF7 (NADH:ubiquinone oxidoreductase complex assembly factor 7; plus strand). Cytogenetic location: 2p22.2.
Variant type: single nucleotide variant.
Coding change: c.936+1G>A on transcript NM_144736.5 (MANE Select); the canonical splice donor site of the intron after coding-DNA position 936, G replaced by A.
Molecular consequence: splice donor variant.
Genome position (GRCh38, 1-based): chr2:37,246,196, G>A. VCF-style: chr2-37246196-G-A. GRCh37 (hg19) VCF-style: chr2-37473339-G-A.
Other names: c.936+1G>A (NM_001350024.2); c.723+1G>A (NM_001350027.2); c.855+1G>A (NM_001350025.2); c.642+1G>A (NM_001083946.2).
Identifiers: ClinVar variation 4764050 (VCV004764050.1).